The following is an entry in ClinVar:

NM_005022.4(PFN1):c.130A>G (p.Thr44Ala)

Gene: PFN1 (profilin 1; minus strand). Cytogenetic location: 17p13.2.
Variant type: single nucleotide variant.
Coding change: c.130A>G on transcript NM_005022.4 (MANE Select); coding-DNA position 130, A replaced by G.
Protein change: p.Thr44Ala; replaces threonine 44 with alanine.
Molecular consequence: missense variant.
Genome position (GRCh38, 1-based): chr17:4,948,265, T>C on the plus strand (A>G on the coding strand, the complement: PFN1 is on the minus strand). VCF-style: chr17-4948265-T-C. GRCh37 (hg19) VCF-style: chr17-4851560-T-C.
Other names: c.130A>G, p.Thr44Ala (NM_001375991.1); short protein forms T44A.
Identifiers: ClinVar variation 4071795 (VCV004071795.1).

ClinVar aggregate classification (germline): Uncertain significance (1 of 4 stars; one submission).

Submission:

GeneDx
Classification: Uncertain significance. Last evaluated: 2025-01-23. Review status: criteria provided, single submitter. Criteria: GeneDx Variant Classification Process June 2021. Collection method: clinical testing. Allele origin: germline. Affected: yes.
Comment: Not observed at significant frequency in large population cohorts (gnomAD); In silico analysis indicates that this missense variant does not alter protein structure/function; In silico analysis suggests this variant may impact gene splicing. In the absence of RNA/functional studies, the actual effect of this sequence change is unknown.; Has not been previously published as pathogenic or benign to our knowledge